The following is an entry in ClinVar:

NM_017662.5(TRPM6):c.5550A>G (p.Gln1850=)

Gene: TRPM6 (transient receptor potential cation channel subfamily M member 6; minus strand). Cytogenetic location: 9q21.13.
Variant type: single nucleotide variant.
Coding change: c.5550A>G on transcript NM_017662.5 (MANE Select); coding-DNA position 5550, A replaced by G.
Protein change: p.Gln1850=; no amino-acid change (glutamine 1850 retained).
Molecular consequence: synonymous variant.
Genome position (GRCh38, 1-based): chr9:74,739,387, T>C on the plus strand (A>G on the coding strand, the complement: TRPM6 is on the minus strand). VCF-style: chr9-74739387-T-C. GRCh37 (hg19) VCF-style: chr9-77354303-T-C.
Other names: c.5535A>G, p.Gln1845= (NM_001177310.2, NM_001177311.2).
Identifiers: ClinVar variation 780804 (VCV000780804.13), dbSNP rs35618857, ClinGen allele CA5083771.

ClinVar aggregate classification (germline): Benign/Likely benign. Review status: criteria provided, multiple submitters, no conflicts (2 of 4 stars). 4 submissions from 4 submitters: Benign (3); Likely benign (1). Last evaluated 2025-12-22.

Conditions:
Intestinal hypomagnesemia 1. Also called: HYPOMAGNESEMIA, INTESTINAL, WITH SECONDARY HYPOCALCEMIA; HYPOMAGNESEMIC TETANY. Identifiers: Orphanet 30924, MedGen C1865974, MONDO:0011176, OMIM 602014.
TRPM6-related disorder. Also called: TRPM6-related condition.

Allele frequency attached by ClinVar (database versions not stated): ExAC 0.00113; gnomAD 0.00326 and 0.00349; TOPMed 0.00388; 1000 Genomes Project 0.00399; ESP Exome Variant Server 0.00408; 1000 Genomes Project 30x 0.00453.
gnomAD v4.1: 988 of 1,614,164 alleles (0.061%); highest among the groups gnomAD compares: African/African-American, 1.2%; 5 homozygotes.

Submissions (4):

Labcorp Genetics (formerly Invitae), Labcorp
Classification: Benign. Last evaluated: 2025-12-22. Review status: criteria provided, single submitter. Criteria: Invitae Variant Classification Sherloc (09022015). Collection method: clinical testing. Allele origin: germline.

PreventionGenetics, part of Exact Sciences
Classification: Benign for TRPM6-related condition. Last evaluated: 2025-03-12. Review status: criteria provided, single submitter. Criteria: ACMG Guidelines, 2015. Collection method: clinical testing. Allele origin: germline.
Comment: This variant is classified as benign based on ACMG/AMP sequence variant interpretation guidelines (Richards et al. 2015 PMID: 25741868, with internal and published modifications).

Fulgent Genetics
Classification: Likely benign for Intestinal hypomagnesemia 1. Last evaluated: 2021-07-27. Review status: criteria provided, single submitter. Criteria: ACMG Guidelines, 2015. Collection method: clinical testing. Allele origin: unknown.

Breakthrough Genomics
Classification: Benign. Review status: criteria provided, single submitter. Criteria: ACMG Guidelines, 2015. Collection method: not provided. Allele origin: germline. Inheritance: Autosomal recessive inheritance. Affected: yes.